The following is an entry in ClinVar:

ClinVar aggregate classification (germline): Pathogenic (1 of 4 stars; one submission).

Conditions:
Wilms tumor 1 (WT1). Also called: Wilms tumor, somatic. Identifiers: Orphanet 654, MedGen CN033288, MONDO:0008679, OMIM 194070.

Submission:

St. Jude Molecular Pathology, St. Jude Children's Research Hospital
Classification: Pathogenic for Wilms tumor 1. Last evaluated: 2026-10-01. Review status: criteria provided, single submitter. Criteria: St. Jude Assertion Criteria 2020. Collection method: clinical testing. Allele origin: germline.
Comment: The WT1 c.410dup p.(Pro138AlafsTer66) change duplicates one nucleotide to cause a frameshift and the creation of a premature stop codon. This change is predicted to cause protein truncation or absence of protein due to nonsense-mediated decay. This var iant is absent in gnomAD v2.1.1. In summary, this variant meets criteria to be classified as pathogenic.

NM_024426.6(WT1):c.410dup (p.Pro138fs)

Genes: WT1 (WT1 transcription factor; minus strand), LOC107982234 (WT1/WT1-AS bi-directional promoter region; plus strand). Cytogenetic location: 11p13.
Variant type: Duplication.
Coding change: c.410dup on transcript NM_024426.6 (MANE Select); coding-DNA position 410, one base duplicated (C; older notation c.410dupC).
Protein change: p.Pro138fs; shifts the reading frame from proline 138.
Molecular consequence: frameshift variant. On other transcripts: non-coding transcript variant (2).
Genome position (GRCh38, 1-based): chr11:32,434,951, G duplicated on the plus strand (C on the coding strand, the reverse complement: WT1 is on the minus strand); the first of 5 consecutive G bases (chr11:32,434,951-32,434,955); duplicating any one gives the same sequence. VCF-style (leftmost placement, unchanged base first): chr11-32434950-C-CG. GRCh37 (hg19) VCF-style: chr11-32456496-C-CG.
Other names: c.410dup, p.Pro138fs (NM_000378.6, NM_001407044.1, NM_001407045.1 and 6 more transcripts); c.191dup, p.Pro65fs (NM_001429031.1, NM_001429032.1, NM_001429033.1 and 1 more transcripts); short protein forms P138fs, P65fs.
Identifiers: ClinVar variation 5038385 (VCV005038385.1).